The following is an entry in ClinVar:

NM_005862.3(STAG1):c.2667C>G (p.Ile889Met)

Gene: STAG1 (STAG1 cohesin complex component; minus strand). Cytogenetic location: 3q22.3.
Variant type: single nucleotide variant.
Coding change: c.2667C>G on transcript NM_005862.3 (MANE Select); coding-DNA position 2667, C replaced by G.
Protein change: p.Ile889Met; replaces isoleucine 889 with methionine.
Molecular consequence: missense variant.
Genome position (GRCh38, 1-based): chr3:136,366,961, G>C on the plus strand (C>G on the coding strand, the complement: STAG1 is on the minus strand). VCF-style: chr3-136366961-G-C. GRCh37 (hg19) VCF-style: chr3-136085803-G-C.
Other names: short protein forms I889M.
Identifiers: ClinVar variation 3389229 (VCV003389229.14).

ClinVar aggregate classification (germline): Uncertain significance (1 of 4 stars; one submission).

gnomAD v4.1: 1 of 1,603,616 alleles (0.000062%); no homozygotes.

Submission:

CeGaT Center for Human Genetics Tuebingen
Classification: Uncertain significance. Last evaluated: 2024-11-01. Review status: criteria provided, single submitter. Criteria: CeGaT Center For Human Genetics Tuebingen Variant Classification Criteria Version 2. Collection method: clinical testing. Allele origin: germline. Affected: yes. Observed: 1 variant allele.
Comment: STAG1: PM2